The following is an entry in ClinVar:

ClinVar aggregate classification (germline): Uncertain significance. Review status: criteria provided, multiple submitters, no conflicts (2 of 4 stars). 2 submissions from 2 submitters: Uncertain significance (2). Last evaluated 2026-10-09.

gnomAD v4.1: 1 of 1,608,040 alleles (0.000062%); highest among the groups gnomAD compares: Non-Finnish European, 0.000085%; no homozygotes.

Submissions (2):

GeneDx
Classification: Uncertain significance. Last evaluated: 2026-10-09. Review status: criteria provided, single submitter. Criteria: GeneDx Variant Classification Process June 2021. Collection method: clinical testing. Allele origin: germline.
Comment: Not observed at significant frequency in large population cohorts (gnomAD); In silico analysis supports that this missense variant has a deleterious effect on protein structure/function; Has not been previously published as pathogenic or benign to our knowledge

Labcorp Genetics (formerly Invitae), Labcorp
Classification: Uncertain significance. Last evaluated: 2022-03-11. Review status: criteria provided, single submitter. Criteria: Invitae Variant Classification Sherloc (09022015). Collection method: clinical testing. Allele origin: germline.
Comment: In summary, the available evidence is currently insufficient to determine the role of this variant in disease. Therefore, it has been classified as a Variant of Uncertain Significance. Algorithms developed to predict the effect of missense changes on protein structure and function are either unavailable or do not agree on the potential impact of this missense change (SIFT: "Deleterious"; PolyPhen-2: "Not Available"; Align-GVGD: "Class C0"). This variant has not been reported in the literature in individuals affected with HNF1B-related conditions. This variant is not present in population databases (gnomAD no frequency). This sequence change replaces leucine, which is neutral and non-polar, with arginine, which is basic and polar, at codon 98 of the HNF1B protein (p.Leu98Arg).

NM_000458.4(HNF1B):c.293T>G (p.Leu98Arg)

Gene: HNF1B (HNF1 homeobox B; minus strand). Cytogenetic location: 17q12.
Variant type: single nucleotide variant.
Coding change: c.293T>G on transcript NM_000458.4 (MANE Select); coding-DNA position 293, T replaced by G.
Protein change: p.Leu98Arg; replaces leucine 98 with arginine.
Molecular consequence: missense variant.
Genome position (GRCh38, 1-based): chr17:37,744,592, A>C on the plus strand (T>G on the coding strand, the complement: HNF1B is on the minus strand). VCF-style: chr17-37744592-A-C. GRCh37 (hg19) VCF-style: chr17-36104583-A-C.
Other names: c.293T>G, p.Leu98Arg (NM_001165923.4, NM_001304286.2, NM_001411100.1); c.293T>G (NM_000458.2); short protein forms L98R.
Identifiers: ClinVar variation 2060653 (VCV002060653.6), dbSNP rs2034111132, ClinGen allele CA398753237.